The following is an entry in ClinVar:

NM_001042492.3(NF1):c.3455T>C (p.Leu1152Ser)

Gene: NF1 (neurofibromin 1; plus strand). Cytogenetic location: 17q11.2.
Variant type: single nucleotide variant.
Coding change: c.3455T>C on transcript NM_001042492.3 (MANE Select); coding-DNA position 3455, T replaced by C.
Protein change: p.Leu1152Ser; replaces leucine 1152 with serine.
Molecular consequence: missense variant.
Genome position (GRCh38, 1-based): chr17:31,232,840, T>C. VCF-style: chr17-31232840-T-C. GRCh37 (hg19) VCF-style: chr17-29559858-T-C.
Other names: c.3455T>C, p.Leu1152Ser (NM_000267.4); short protein forms L1152S.
Identifiers: ClinVar variation 1722855 (VCV001722855.3), dbSNP rs2067137759, ClinGen allele CA398989339.

ClinVar aggregate classification (germline): Uncertain significance. Review status: criteria provided, multiple submitters, no conflicts (2 of 4 stars). 2 submissions from 2 submitters: Uncertain significance (2). Last evaluated 2023-07-18.

Conditions:
Hereditary cancer-predisposing syndrome. Also called: Neoplastic Syndromes, Hereditary; Tumor predisposition; Hereditary neoplastic syndrome; Hereditary Cancer Syndrome. Identifiers: Orphanet 140162, MedGen C0027672, MeSH D009386, MONDO:0015356.
Cardiovascular phenotype. Identifiers: MedGen CN230736.

Submissions (2):

Ambry Genetics
Classification: Uncertain significance for Cardiovascular phenotype; Hereditary cancer-predisposing syndrome. Last evaluated: 2023-07-18. Review status: criteria provided, single submitter. Criteria: Ambry Variant Classification Scheme 2023. Collection method: clinical testing. Allele origin: germline.
Comment: The p.L1152S variant (also known as c.3455T>C), located in coding exon 26 of the NF1 gene, results from a T to C substitution at nucleotide position 3455. The leucine at codon 1152 is replaced by serine, an amino acid with dissimilar properties. This amino acid position is highly conserved in available vertebrate species. In addition, this alteration is predicted to be deleterious by in silico analysis. Since supporting evidence is limited at this time, the clinical significance of this alteration remains unclear.

GeneDx
Classification: Uncertain significance. Last evaluated: 2022-05-02. Review status: criteria provided, single submitter. Criteria: GeneDx Variant Classification Process June 2021. Collection method: clinical testing. Allele origin: germline. Affected: yes.
Comment: Not observed at significant frequency in large population cohorts (gnomAD); In silico analysis supports that this missense variant has a deleterious effect on protein structure/function; Has not been previously published as pathogenic or benign to our knowledge; This variant is associated with the following publications: (PMID: 25486365, 2121369, 22807134)